The following is an entry in ClinVar:

NM_024422.6(DSC2):c.1555A>G (p.Thr519Ala)

Gene: DSC2 (desmocollin 2; minus strand). Cytogenetic location: 18q12.1.
Variant type: single nucleotide variant.
Coding change: c.1555A>G on transcript NM_024422.6 (MANE Select); coding-DNA position 1555, A replaced by G.
Protein change: p.Thr519Ala; replaces threonine 519 with alanine.
Molecular consequence: missense variant.
Genome position (GRCh38, 1-based): chr18:31,079,955, T>C on the plus strand (A>G on the coding strand, the complement: DSC2 is on the minus strand). VCF-style: chr18-31079955-T-C. GRCh37 (hg19) VCF-style: chr18-28659921-T-C.
Other names: c.1555A>G, p.Thr519Ala (NM_004949.5); short protein forms T519A.
Identifiers: ClinVar variation 925515 (VCV000925515.3), dbSNP rs1987153246, ClinGen allele CA402108173.

ClinVar aggregate classification (germline): Uncertain significance (1 of 4 stars; one submission).

Conditions:
Cardiomyopathy (CMYO). Also called: Cardiomyopathies. Identifiers: Orphanet 167848, MedGen C0878544, MONDO:0004994, HP:0001638. Inheritance: Various modes of inheritance.

Submission:

Color Diagnostics, LLC DBA Color Health
Classification: Uncertain significance for Cardiomyopathy. Last evaluated: 2019-07-20. Review status: criteria provided, single submitter. Criteria: ACMG Guidelines, 2015. Collection method: clinical testing. Allele origin: germline.
Comment: This missense variant replaces threonine with alanine at codon 519 of the DSC2 protein. Computational prediction tools and conservation analyses are inconclusive regarding the impact of this variant on the protein function. Computational splicing tools suggest that this variant may not impact RNA splicing. To our knowledge, functional assays have not been performed for this variant nor has this variant been reported in individuals affected with cardiovascular disorders in the literature. This variant has not been identified in the general population by the Genome Aggregation Database (gnomAD). Available evidence is insufficient to determine the role of this variant in disease conclusively. Therefore, this variant is classified as a Variant of Uncertain Significance.